The following is an entry in ClinVar:

ClinVar aggregate classification (germline): Uncertain significance. Review status: criteria provided, multiple submitters, no conflicts (2 of 4 stars). 3 submissions from 3 submitters: Uncertain significance (3). Last evaluated 2023-04-11.

Conditions:
Microcephaly 5, primary, autosomal recessive (MCPH5). Also called: ASPM Primary Microcephaly. Identifiers: Orphanet 2512, MedGen C1837501, MONDO:0012106, OMIM 608716.

Allele frequency attached by ClinVar (database versions not stated): ExAC 0.00001; gnomAD exomes 0.00001 and 0.00006; gnomAD 0.00003; TOPMed 0.00003.
gnomAD v4.1: 85 of 1,612,902 alleles (0.0053%); highest among the groups gnomAD compares: Non-Finnish European, 0.0072%; no homozygotes.

Submissions (3):

Genome-Nilou Lab
Classification: Uncertain significance for Microcephaly 5, primary, autosomal recessive. Last evaluated: 2023-04-11. Review status: criteria provided, single submitter. Criteria: ACMG Guidelines, 2015. Collection method: clinical testing. Allele origin: germline. Affected: no.

GeneDx
Classification: Uncertain significance. Last evaluated: 2022-06-22. Review status: criteria provided, single submitter. Criteria: GeneDx Variant Classification Process June 2021. Collection method: clinical testing. Allele origin: germline. Affected: yes.
Comment: Not observed at significant frequency in large population cohorts (gnomAD); In silico analysis supports that this missense variant does not alter protein structure/function; Has not been previously published as pathogenic or benign to our knowledge

Illumina Laboratory Services, Illumina
Classification: Uncertain significance for Microcephaly 5, primary, autosomal recessive. Last evaluated: 2018-01-15. Review status: criteria provided, single submitter. Criteria: ICSL Variant Classification Criteria 13 December 2019. Collection method: clinical testing. Allele origin: germline.

NM_018136.5(ASPM):c.4024A>G (p.Lys1342Glu)

Gene: ASPM (assembly factor for spindle microtubules; minus strand). Cytogenetic location: 1q31.3.
Variant type: single nucleotide variant.
Coding change: c.4024A>G on transcript NM_018136.5 (MANE Select); coding-DNA position 4024, A replaced by G.
Protein change: p.Lys1342Glu; replaces lysine 1342 with glutamic acid.
Molecular consequence: missense variant.
Genome position (GRCh38, 1-based): chr1:197,117,830, T>C on the plus strand (A>G on the coding strand, the complement: ASPM is on the minus strand). VCF-style: chr1-197117830-T-C. GRCh37 (hg19) VCF-style: chr1-197086960-T-C.
Other names: c.4024A>G, p.Lys1342Glu (NM_001206846.2); short protein forms K1342E.
Identifiers: ClinVar variation 874980 (VCV000874980.6), dbSNP rs779744390, ClinGen allele CA1310020.